The following is an entry in ClinVar:

ClinVar aggregate classification (germline): Uncertain significance (1 of 4 stars; one submission).

Submission:

Labcorp Genetics (formerly Invitae), Labcorp
Classification: Uncertain significance. Last evaluated: 2021-10-14. Review status: criteria provided, single submitter. Criteria: Invitae Variant Classification Sherloc (09022015). Collection method: clinical testing. Allele origin: germline.
Comment: This sequence change replaces leucine with proline at codon 53 of the ADAMTS17 protein (p.Leu53Pro). The leucine residue is weakly conserved and there is a moderate physicochemical difference between leucine and proline. The frequency data for this variant in the population databases is considered unreliable, as metrics indicate insufficient coverage at this position in the ExAC database. This variant has not been reported in the literature in individuals affected with ADAMTS17-related conditions. Algorithms developed to predict the effect of missense changes on protein structure and function output the following: SIFT: "Not Available"; PolyPhen-2: "Benign"; Align-GVGD: "Not Available". The proline amino acid residue is found in multiple mammalian species, which suggests that this missense change does not adversely affect protein function. In summary, the available evidence is currently insufficient to determine the role of this variant in disease. Therefore, it has been classified as a Variant of Uncertain Significance.

NM_139057.4(ADAMTS17):c.158T>C (p.Leu53Pro)

Gene: ADAMTS17 (ADAM metallopeptidase with thrombospondin type 1 motif 17; minus strand). Cytogenetic location: 15q26.3.
Variant type: single nucleotide variant.
Coding change: c.158T>C on transcript NM_139057.4 (MANE Select); coding-DNA position 158, T replaced by C.
Protein change: p.Leu53Pro; replaces leucine 53 with proline.
Molecular consequence: missense variant.
Genome position (GRCh38, 1-based): chr15:100,341,331, A>G on the plus strand (T>C on the coding strand, the complement: ADAMTS17 is on the minus strand). VCF-style: chr15-100341331-A-G. GRCh37 (hg19) VCF-style: chr15-100881536-A-G.
Other names: short protein forms L53P.
Identifiers: ClinVar variation 1493456 (VCV001493456.3), dbSNP rs2141998629, ClinGen allele CA394525602.